The following is an entry in ClinVar:

NM_001371928.1(AHDC1):c.325C>T (p.Arg109Cys)

Gene: AHDC1 (AT-hook DNA binding motif containing 1; minus strand). Cytogenetic location: 1p36.11.
Variant type: single nucleotide variant.
Coding change: c.325C>T on transcript NM_001371928.1 (MANE Select); coding-DNA position 325, C replaced by T.
Protein change: p.Arg109Cys; replaces arginine 109 with cysteine.
Molecular consequence: missense variant.
Genome position (GRCh38, 1-based): chr1:27,551,791, G>A on the plus strand (C>T on the coding strand, the complement: AHDC1 is on the minus strand). VCF-style: chr1-27551791-G-A. GRCh37 (hg19) VCF-style: chr1-27878302-G-A.
Other names: c.325C>T, p.Arg109Cys (NM_001029882.3); short protein forms R109C.
Identifiers: ClinVar variation 1920920 (VCV001920920.5), dbSNP rs1449226172, ClinGen allele CA339238028.

ClinVar aggregate classification (germline): Uncertain significance (1 of 4 stars; one submission).

Allele frequency attached by ClinVar (database versions not stated): TOPMed below 0.00001.
gnomAD v4.1: 4 of 1,613,130 alleles (0.00025%); highest among the groups gnomAD compares: African/African-American, 0.0013%; no homozygotes.

Submission:

Labcorp Genetics (formerly Invitae), Labcorp
Classification: Uncertain significance. Last evaluated: 2022-08-16. Review status: criteria provided, single submitter. Criteria: Invitae Variant Classification Sherloc (09022015). Collection method: clinical testing. Allele origin: germline.
Comment: This sequence change replaces arginine, which is basic and polar, with cysteine, which is neutral and slightly polar, at codon 109 of the AHDC1 protein (p.Arg109Cys). In summary, the available evidence is currently insufficient to determine the role of this variant in disease. Therefore, it has been classified as a Variant of Uncertain Significance. Algorithms developed to predict the effect of missense changes on protein structure and function output the following: SIFT: "Deleterious"; PolyPhen-2: "Possibly Damaging"; Align-GVGD: "Class C0". The cysteine amino acid residue is found in multiple mammalian species, which suggests that this missense change does not adversely affect protein function. This variant has not been reported in the literature in individuals affected with AHDC1-related conditions. This variant is present in population databases (no rsID available, gnomAD 0.007%).